The following is an entry in ClinVar:

ClinVar aggregate classification (germline): Uncertain significance (1 of 4 stars; one submission).

Submission:

Labcorp Genetics (formerly Invitae), Labcorp
Classification: Uncertain significance. Last evaluated: 2021-05-01. Review status: criteria provided, single submitter. Criteria: Invitae Variant Classification Sherloc (09022015). Collection method: clinical testing. Allele origin: germline.
Comment: This sequence change replaces leucine with isoleucine at codon 493 of the NBAS protein (p.Leu493Ile). The leucine residue is highly conserved and there is a small physicochemical difference between leucine and isoleucine. This variant is not present in population databases (ExAC no frequency). This variant has not been reported in the literature in individuals with NBAS-related conditions. Algorithms developed to predict the effect of missense changes on protein structure and function are either unavailable or do not agree on the potential impact of this missense change (SIFT: "Deleterious"; PolyPhen-2: "Possibly Damaging"; Align-GVGD: "Class C0"). In summary, the available evidence is currently insufficient to determine the role of this variant in disease. Therefore, it has been classified as a Variant of Uncertain Significance.

NM_015909.4(NBAS):c.1477C>A (p.Leu493Ile)

Gene: NBAS (NBAS subunit of NRZ tethering complex; minus strand). Cytogenetic location: 2p24.3.
Variant type: single nucleotide variant.
Coding change: c.1477C>A on transcript NM_015909.4 (MANE Select); coding-DNA position 1477, C replaced by A.
Protein change: p.Leu493Ile; replaces leucine 493 with isoleucine.
Molecular consequence: missense variant. On other transcripts: non-coding transcript variant (1).
Genome position (GRCh38, 1-based): chr2:15,474,189, G>T on the plus strand (C>A on the coding strand, the complement: NBAS is on the minus strand). VCF-style: chr2-15474189-G-T. GRCh37 (hg19) VCF-style: chr2-15614313-G-T.
Other names: short protein forms L493I.
Identifiers: ClinVar variation 1404348 (VCV001404348.8), dbSNP rs2148585606, ClinGen allele CA345888442.